The following is an entry in ClinVar:

NM_001165963.4(SCN1A):c.4627T>G (p.Phe1543Val)

Genes: SCN1A (sodium voltage-gated channel alpha subunit 1; minus strand), LOC102724058 (uncharacterized LOC102724058; plus strand). Cytogenetic location: 2q24.3.
Variant type: single nucleotide variant.
Coding change: c.4627T>G on transcript NM_001165963.4 (MANE Select); coding-DNA position 4627, T replaced by G.
Protein change: p.Phe1543Val; replaces phenylalanine 1543 with valine.
Molecular consequence: missense variant. On other transcripts: non-coding transcript variant (1).
Genome position (GRCh38, 1-based): chr2:165,994,371, A>C on the plus strand (T>G on the coding strand, the complement: SCN1A is on the minus strand). VCF-style: chr2-165994371-A-C. GRCh37 (hg19) VCF-style: chr2-166850881-A-C.
Other names: c.4594T>G, p.Phe1532Val (NM_001353951.2, NM_001353952.2, NM_006920.6 and 2 more transcripts); c.4591T>G, p.Phe1531Val (NM_001353954.2, NM_001353955.2); c.4543T>G, p.Phe1515Val (NM_001353957.2, NM_001353958.2, NM_001165964.3); c.4540T>G, p.Phe1514Val (NM_001353960.2); c.2185T>G, p.Phe729Val (NM_001353961.2); c.4627T>G, p.Phe1543Val (NM_001202435.3, NM_001353948.2); short protein forms F1515V, F1514V, F1531V, F1532V, F1543V, F729V.
Identifiers: ClinVar variation 3688129 (VCV003688129.2).

ClinVar aggregate classification (germline): Uncertain significance (1 of 4 stars; one submission).

Conditions:
Early-infantile DEE. Also called: Ohtahara syndrome; Early infantile epileptic encephalopathy with suppression bursts; Early infantile epileptic encephalopathy. Identifiers: Orphanet 1934, MedGen C0393706, MONDO:0800491.

gnomAD v4.1: 1 of 1,612,970 alleles (0.000062%); highest among the groups gnomAD compares: Non-Finnish European, 0.000085%; no homozygotes.

Submission:

Labcorp Genetics (formerly Invitae), Labcorp
Classification: Uncertain significance for Early-infantile DEE. Last evaluated: 2024-07-11. Review status: criteria provided, single submitter. Criteria: Invitae Variant Classification Sherloc (09022015). Collection method: clinical testing. Allele origin: germline.
Comment: This sequence change replaces phenylalanine, which is neutral and non-polar, with valine, which is neutral and non-polar, at codon 1543 of the SCN1A protein (p.Phe1543Val). This variant is not present in population databases (gnomAD no frequency). This variant has not been reported in the literature in individuals affected with SCN1A-related conditions. Advanced modeling of protein sequence and biophysical properties (such as structural, functional, and spatial information, amino acid conservation, physicochemical variation, residue mobility, and thermodynamic stability) performed at Invitae indicates that this missense variant is expected to disrupt SCN1A protein function with a positive predictive value of 95%. In summary, the available evidence is currently insufficient to determine the role of this variant in disease. Therefore, it has been classified as a Variant of Uncertain Significance.